The following is an entry in ClinVar:

NM_145728.3(SYNM):c.1034C>T (p.Thr345Ile)

Gene: SYNM (synemin; plus strand). Cytogenetic location: 15q26.3.
Variant type: single nucleotide variant.
Coding change: c.1034C>T on transcript NM_145728.3 (MANE Select); coding-DNA position 1034, C replaced by T.
Protein change: p.Thr345Ile; replaces threonine 345 with isoleucine.
Molecular consequence: missense variant.
Genome position (GRCh38, 1-based): chr15:99,129,394, C>T. VCF-style: chr15-99129394-C-T. GRCh37 (hg19) VCF-style: chr15-99669599-C-T.
Other names: c.1034C>T, p.Thr345Ile (NM_015286.6); short protein forms T345I.
Identifiers: ClinVar variation 3058385 (VCV003058385.2), dbSNP rs2543110485, ClinGen allele CA393673426.

ClinVar aggregate classification (germline): Conflicting classifications of pathogenicity. Review status: criteria provided, conflicting classifications (1 of 4 stars). 2 submissions from 2 submitters: Uncertain significance (1); Likely benign (1). Last evaluated 2024-08-26.

Conditions:
SYNM-related disorder. Also called: SYNM-related condition.

Submissions (2):

Ambry Genetics
Classification: Uncertain significance. Last evaluated: 2024-08-26. Review status: criteria provided, single submitter. Criteria: Ambry Variant Classification Scheme 2023. Collection method: clinical testing. Allele origin: germline.

PreventionGenetics, part of Exact Sciences
Classification: Likely benign for SYNM-related condition. Last evaluated: 2019-03-07. Review status: criteria provided, single submitter. Criteria: ACMG Guidelines, 2015. Collection method: clinical testing. Allele origin: germline.
Comment: This variant is classified as likely benign based on ACMG/AMP sequence variant interpretation guidelines (Richards et al. 2015 PMID: 25741868, with internal and published modifications).